The following is an entry in ClinVar:

NM_133510.4(RAD51B):c.572G>C (p.Arg191Thr)

Gene: RAD51B (RAD51 paralog B; plus strand). Cytogenetic location: 14q24.1.
Variant type: single nucleotide variant.
Coding change: c.572G>C on transcript NM_133510.4 (MANE Select); coding-DNA position 572, G replaced by C.
Protein change: p.Arg191Thr; replaces arginine 191 with threonine.
Molecular consequence: missense variant.
Genome position (GRCh38, 1-based): chr14:67,885,988, G>C. VCF-style: chr14-67885988-G-C. GRCh37 (hg19) VCF-style: chr14-68352705-G-C.
Other names: c.572G>C, p.Arg191Thr (NM_001321809.2, NM_001321810.2, NM_001321812.1 and 6 more transcripts); c.458G>C, p.Arg153Thr (NM_001321815.1); c.215G>C, p.Arg72Thr (NM_001321817.2); short protein forms R191T, R72T, R153T.
Identifiers: ClinVar variation 4575273 (VCV004575273.1).
Genomic context (GRCh38, chr14:67,885,988, plus strand): 5'-TTTTGACAAGTAGTAAAGTTCATCTTTATCGGGAACTCACCTGTGATGAAGTTCTACAAA[G>C]GTATGCTGCTTTAGATTTTGATTTTTTAGTAATGCGTTGAAGGTTTATGTTTTATCTTTT-3'
Protein context (NP_598194.1, residues 181-201): RELTCDEVLQ[Arg191Thr]IESLEEEIIS

ClinVar aggregate classification (germline): Uncertain significance (1 of 4 stars; one submission).

Submission:

Ambry Genetics
Classification: Uncertain significance. Last evaluated: 2025-11-06. Review status: criteria provided, single submitter. Criteria: Ambry Variant Classification Scheme 2023. Collection method: clinical testing. Allele origin: germline.
Comment: The c.572G>C variant (also known as p.R191T), located in coding exon 5 of the RAD51B gene, results from a G to C substitution at nucleotide position 572. The amino acid change results in arginine to threonine at codon 191, an amino acid with similar properties. However, this change occurs in the last base pair of coding exon 5, which makes it likely to have some effect on normal mRNA splicing. This nucleotide position is highly conserved in available vertebrate species. This amino acid position is highly conserved in available vertebrate species. In silico splice site analysis predicts that this alteration will not have any significant effect on splicing. In addition, the in silico prediction for this alteration is inconclusive. The evidence for this gene-disease relationship is limited; therefore, the clinical significance of this alteration is unclear.